The following is an entry in ClinVar:

ClinVar aggregate classification (germline): Likely benign. Review status: criteria provided, multiple submitters, no conflicts (2 of 4 stars). 6 submissions from 6 submitters: Likely benign (6). Last evaluated 2026-09-01.

Allele frequency attached by ClinVar (database versions not stated): ExAC 0.00039; gnomAD exomes 0.00041 and 0.00096; gnomAD 0.00056; 1000 Genomes Project 0.00020; 1000 Genomes Project 30x 0.00031; TOPMed 0.00059; ESP Exome Variant Server 0.00085.
gnomAD v4.1: 1,488 of 1,614,162 alleles (0.092%); highest among the groups gnomAD compares: Non-Finnish European, 0.12%; 2 homozygotes.

Submissions (6):

CeGaT Center for Human Genetics Tuebingen
Classification: Likely benign. Last evaluated: 2026-09-01. Review status: criteria provided, single submitter. Criteria: CeGaT Center For Human Genetics Tuebingen Variant Classification Criteria Version 2. Collection method: clinical testing. Allele origin: germline. Affected: yes. Observed: 3 variant alleles.
Comment: LARS2: BP4, BP7

Labcorp Genetics (formerly Invitae), Labcorp
Classification: Likely benign. Last evaluated: 2025-12-03. Review status: criteria provided, single submitter. Criteria: Invitae Variant Classification Sherloc (09022015). Collection method: clinical testing. Allele origin: germline.

Blueprint Genetics
Classification: Likely benign. Last evaluated: 2024-10-15. Review status: criteria provided, single submitter. Criteria: ACMG Guidelines, 2015. Collection method: clinical testing. Allele origin: germline.

GeneDx
Classification: Likely benign. Last evaluated: 2021-05-07. Review status: criteria provided, single submitter. Criteria: GeneDx Variant Classification Process June 2021. Collection method: clinical testing. Allele origin: germline. Affected: yes.

ARUP Laboratories, Molecular Genetics and Genomics, ARUP Laboratories
Classification: Likely benign. Last evaluated: 2019-04-18. Review status: criteria provided, single submitter. Criteria: ARUP Molecular Germline Variant Investigation Process. Collection method: clinical testing. Allele origin: germline.

Laboratory for Molecular Medicine, Mass General Brigham Personalized Medicine
Classification: Likely benign. Last evaluated: 2014-11-24. Review status: criteria provided, single submitter. Criteria: LMM Criteria. Collection method: clinical testing. Allele origin: germline. Observed: 2 variant alleles.
Comment: Arg663Arg in exon 17 of LARS2: This variant is not expected to have clinical sig nificance because it does not alter an amino acid residue and is not located wit hin the splice consensus sequence. It has been identified in 0.1% (10/8600) of E uropean American chromosomes from a broad population by the NHLBI Exome Sequenci ng Project (dbSNP rs139111439).

NM_015340.4(LARS2):c.1989G>T (p.Arg663=)

Gene: LARS2 (leucyl-tRNA synthetase 2, mitochondrial; plus strand). Cytogenetic location: 3p21.31.
Variant type: single nucleotide variant.
Coding change: c.1989G>T on transcript NM_015340.4 (MANE Select); coding-DNA position 1989, G replaced by T.
Protein change: p.Arg663=; no amino-acid change (arginine 663 retained).
Molecular consequence: synonymous variant.
Genome position (GRCh38, 1-based): chr3:45,516,221, G>T. VCF-style: chr3-45516221-G-T. GRCh37 (hg19) VCF-style: chr3-45557713-G-T.
Other names: c.1989G>T, p.Arg663= (NM_001368263.1).
Identifiers: ClinVar variation 388891 (VCV000388891.45), dbSNP rs139111439, ClinGen allele CA2349741.